The following is an entry in ClinVar:

NM_000553.6(WRN):c.323A>G (p.Lys108Arg)

Gene: WRN (WRN RecQ like helicase; plus strand). Cytogenetic location: 8p12.
Variant type: single nucleotide variant.
Coding change: c.323A>G on transcript NM_000553.6 (MANE Select); coding-DNA position 323, A replaced by G.
Protein change: p.Lys108Arg; replaces lysine 108 with arginine.
Molecular consequence: missense variant.
Genome position (GRCh38, 1-based): chr8:31,064,402, A>G. VCF-style: chr8-31064402-A-G. GRCh37 (hg19) VCF-style: chr8-30921918-A-G.
Other names: short protein forms K108R.
Identifiers: ClinVar variation 663370 (VCV000663370.4), dbSNP rs1585408352, ClinGen allele CA370914369.

ClinVar aggregate classification (germline): Uncertain significance (1 of 4 stars; one submission).

Conditions:
Werner syndrome (WRN). Identifiers: Orphanet 902, MedGen C0043119, MONDO:0010196, OMIM 277700.

Allele frequency attached by ClinVar (database versions not stated): gnomAD exomes below 0.00001.
gnomAD v4.1: 1 of 1,614,096 alleles (0.000062%); highest among the groups gnomAD compares: Non-Finnish European, 0.000085%; no homozygotes.

Submission:

Labcorp Genetics (formerly Invitae), Labcorp
Classification: Uncertain significance for Werner syndrome. Last evaluated: 2022-12-30. Review status: criteria provided, single submitter. Criteria: Invitae Variant Classification Sherloc (09022015). Collection method: clinical testing. Allele origin: germline.
Comment: Algorithms developed to predict the effect of missense changes on protein structure and function output the following: SIFT: "Not Available"; PolyPhen-2: "Benign"; Align-GVGD: "Not Available". The arginine amino acid residue is found in multiple mammalian species, which suggests that this missense change does not adversely affect protein function. This sequence change replaces lysine, which is basic and polar, with arginine, which is basic and polar, at codon 108 of the WRN protein (p.Lys108Arg). This variant is not present in population databases (gnomAD no frequency). This variant has not been reported in the literature in individuals affected with WRN-related conditions. ClinVar contains an entry for this variant (Variation ID: 663370). In summary, the available evidence is currently insufficient to determine the role of this variant in disease. Therefore, it has been classified as a Variant of Uncertain Significance.